The following is an entry in ClinVar:

NM_006005.3(WFS1):c.1015G>A (p.Asp339Asn)

Gene: WFS1 (wolframin ER transmembrane glycoprotein; plus strand). Cytogenetic location: 4p16.1.
Variant type: single nucleotide variant.
Coding change: c.1015G>A on transcript NM_006005.3 (MANE Select); coding-DNA position 1015, G replaced by A.
Protein change: p.Asp339Asn; replaces aspartic acid 339 with asparagine.
Molecular consequence: missense variant.
Genome position (GRCh38, 1-based): chr4:6,300,810, G>A. VCF-style: chr4-6300810-G-A. GRCh37 (hg19) VCF-style: chr4-6302537-G-A.
Other names: c.1015G>A, p.Asp339Asn (NM_001145853.1); short protein forms D339N.
Identifiers: ClinVar variation 215354 (VCV000215354.16), dbSNP rs772392224, ClinGen allele CA323935.

ClinVar aggregate classification (germline): Conflicting classifications of pathogenicity. Review status: criteria provided, conflicting classifications (1 of 4 stars). 4 submissions from 4 submitters: Likely risk allele (1); Uncertain significance (3). Last evaluated 2025-05-14.

Conditions:
Wolfram syndrome 1 (WFS1). Identifiers: Orphanet 3463, MedGen C4551693, MONDO:0009101, OMIM 222300.

Allele frequency attached by ClinVar (database versions not stated): ExAC 0.00001; gnomAD 0.00001 and 0.00002; gnomAD exomes 0.00001; TOPMed 0.00001.
gnomAD v4.1: 19 of 1,613,912 alleles (0.0012%); highest among the groups gnomAD compares: East Asian, 0.0067%; no homozygotes.

Submissions (4):

Labcorp Genetics (formerly Invitae), Labcorp
Classification: Uncertain significance. Last evaluated: 2025-05-14. Review status: criteria provided, single submitter. Criteria: Invitae Variant Classification Sherloc (09022015). Collection method: clinical testing. Allele origin: germline.
Comment: This sequence change replaces aspartic acid, which is acidic and polar, with asparagine, which is neutral and polar, at codon 339 of the WFS1 protein (p.Asp339Asn). The frequency data for this variant in the population databases is considered unreliable, as metrics indicate poor data quality at this position in the gnomAD database. This missense change has been observed in individual(s) with autosomal dominant deafness (PMID: 32382995). ClinVar contains an entry for this variant (Variation ID: 215354). Invitae Evidence Modeling of protein sequence and biophysical properties (such as structural, functional, and spatial information, amino acid conservation, physicochemical variation, residue mobility, and thermodynamic stability) indicates that this missense variant is not expected to disrupt WFS1 protein function with a negative predictive value of 95%. In summary, the available evidence is currently insufficient to determine the role of this variant in disease. Therefore, it has been classified as a Variant of Uncertain Significance.

GeneDx
Classification: Uncertain significance. Last evaluated: 2024-12-12. Review status: criteria provided, single submitter. Criteria: GeneDx Variant Classification Process June 2021. Collection method: clinical testing. Allele origin: germline. Affected: yes.
Comment: Reported in an individual with nonsyndromic hearing loss in published literature (PMID: 32382995); In silico analysis indicates that this missense variant does not alter protein structure/function; This variant is associated with the following publications: (PMID: 20301750, 33879153, 17603484, 32382995, 20738327, 18060660, 12955714)

Laboratory for Molecular Medicine, Mass General Brigham Personalized Medicine
Classification: Uncertain significance. Last evaluated: 2015-07-20. Review status: criteria provided, single submitter. Criteria: LMM Criteria. Collection method: clinical testing. Allele origin: germline. Observed: 1 variant allele.
Comment: The p.Asp339Asn variant in WFS1 has not been previously reported in individuals with hearing loss, but has been identified in 1/66734 European chromosomes by th e Exome Aggregation Consortium (ExAC; dbSNP rs77 2392224). Computational prediction tools and conservation analysis do not provid e strong support for or against an impact to the protein. In summary, the clinic al significance of the p.Asp339Asn variant is uncertain.

Clinical Genomics, Uppaluri K&H Personalized Medicine Clinic
Classification: Likely risk allele for Wolfram syndrome 1. Review status: criteria provided, single submitter. Criteria: K & H Uppaluri Personalized Medicine Clinic Variant Classification & Assertion Criteria_Updated V.1. Collection method: research. Allele origin: unknown. Inheritance: Autosomal recessive inheritance.
Comment: Potent mutations in WFS1 gene are associated with Wolfram's syndrome, an autosomal recessive condition, which cause diabetes mellitus, diabetes insipidus, deafness and optic atrophy.However no sufficient evidence is found to ascertain the role of this particular variant rs772392224 in Wolfram's syndrome yet.

Literature cited by the submitters: PubMed 32382995 (cited by Labcorp Genetics (formerly Invitae), Labcorp); PubMed 20738327 (cited by Clinical Genomics, Uppaluri K&H Personalized Medicine Clinic); PubMed 33879153 (cited by Clinical Genomics, Uppaluri K&H Personalized Medicine Clinic); PubMed 12955714 (cited by Clinical Genomics, Uppaluri K&H Personalized Medicine Clinic); PubMed 18060660 (cited by Clinical Genomics, Uppaluri K&H Personalized Medicine Clinic); PubMed 20301750 (cited by Clinical Genomics, Uppaluri K&H Personalized Medicine Clinic); PubMed 17603484 (cited by Clinical Genomics, Uppaluri K&H Personalized Medicine Clinic).